The following is an entry in ClinVar:

NM_003072.5(SMARCA4):c.490C>T (p.Gln164Ter)

Gene: SMARCA4 (SWI/SNF related BAF chromatin remodeling complex subunit ATPase 4; plus strand). Cytogenetic location: 19p13.2.
Variant type: single nucleotide variant.
Coding change: c.490C>T on transcript NM_003072.5 (MANE Select); coding-DNA position 490, C replaced by T.
Protein change: p.Gln164Ter; replaces glutamine 164 with a stop codon.
Molecular consequence: nonsense. On other transcripts: non-coding transcript variant (1).
Genome position (GRCh38, 1-based): chr19:10,986,323, C>T. VCF-style: chr19-10986323-C-T. GRCh37 (hg19) VCF-style: chr19-11096999-C-T.
Other names: c.490C>T, p.Gln164Ter (NM_001128844.3, NM_001128845.2, NM_001128846.2 and 5 more transcripts); c.490C>T (NM_001128849.1); short protein forms Q164*.
Identifiers: ClinVar variation 1436624 (VCV001436624.7), dbSNP rs2145775805, ClinGen allele CA404056125.

ClinVar aggregate classification (germline): Pathogenic. Review status: criteria provided, multiple submitters, no conflicts (2 of 4 stars). 2 submissions from 2 submitters: Pathogenic (2). Last evaluated 2023-06-08.

Conditions:
Rhabdoid tumor predisposition syndrome 2 (RTPS2). Identifiers: Orphanet 231108, Orphanet 69077, MedGen C2750074, MONDO:0013224, OMIM 613325.
Hereditary cancer-predisposing syndrome. Also called: Neoplastic Syndromes, Hereditary; Hereditary Cancer Syndrome; Hereditary neoplastic syndrome; Tumor predisposition. Identifiers: Orphanet 140162, MedGen C0027672, MeSH D009386, MONDO:0015356.

Submissions (2):

Ambry Genetics
Classification: Pathogenic for Hereditary cancer-predisposing syndrome. Last evaluated: 2023-06-08. Review status: criteria provided, single submitter. Criteria: Ambry Variant Classification Scheme 2023. Collection method: clinical testing. Allele origin: germline.
Comment: The p.Q164* pathogenic mutation (also known as c.490C>T), located in coding exon 3 of the SMARCA4 gene, results from a C to T substitution at nucleotide position 490. This changes the amino acid from a glutamine to a stop codon within coding exon 3. This variant is considered to be rare based on population cohorts in the Genome Aggregation Database (gnomAD). This alteration is expected to result in loss of function by premature protein truncation or nonsense-mediated mRNA decay. Loss-of-function variants in SMARCA4 are known to cause rhabdoid tumor predisposition syndrome including small cell carcinoma of the ovary-hypercalcemic type (SCCOHT); however, such associations with neurodevelopmental disorders are exceedingly rare (Kosho T et al. Am J Med Genet C Semin Med Genet. 2014 Sep;166C(3):262-75; Jelinic P et al. Nat Genet. 2014 May;46(5):424-6). Based on the supporting evidence, this alteration is pathogenic for rhabdoid tumor predisposition syndrome; however, the association of this alteration with Coffin-Siris syndrome is unlikely.

Labcorp Genetics (formerly Invitae), Labcorp
Classification: Pathogenic for Rhabdoid tumor predisposition syndrome 2. Last evaluated: 2022-02-13. Review status: criteria provided, single submitter. Criteria: Invitae Variant Classification Sherloc (09022015). Collection method: clinical testing. Allele origin: germline.
Comment: This sequence change creates a premature translational stop signal (p.Gln164*) in the SMARCA4 gene. It is expected to result in an absent or disrupted protein product. Loss-of-function variants in SMARCA4 are known to be pathogenic (PMID: 24658001, 24658002). This variant is not present in population databases (gnomAD no frequency). This variant has not been reported in the literature in individuals affected with SMARCA4-related conditions. For these reasons, this variant has been classified as Pathogenic.

Literature cited by the submitters: PubMed 24658001 (cited by Labcorp Genetics (formerly Invitae), Labcorp); PubMed 24658002 (cited by Labcorp Genetics (formerly Invitae), Labcorp).